The following is an entry in ClinVar:

ClinVar aggregate classification (germline): Uncertain significance (1 of 4 stars; one submission).

Conditions:
Autosomal dominant nonsyndromic hearing loss 65. Also called: Deafness, autosomal dominant 65; TBC1D24-Related Autosomal Dominant Nonsyndromic Hearing Loss (DFNA). Identifiers: Orphanet 90635, MedGen C3892048, MONDO:0014470, OMIM 616044.
Developmental and epileptic encephalopathy, 1 (DEE1). Also called: INFANTILE SPASM SYNDROME, X-LINKED 1; X-linked infantile spasms; West's syndrome; Tonic spasms with clustering, arrest of psychomotor development and hypsarrhythmia on EEG; X-Linked Infantile Spasm Syndrome; OHTAHARA SYNDROME, X-LINKED. Identifiers: MedGen C3463992, MONDO:0010632, OMIM 308350. Disease mechanism: loss of function.

Allele frequency attached by ClinVar (database versions not stated): gnomAD exomes below 0.00001; gnomAD 0.00001; TOPMed 0.00001.
gnomAD v4.1: 7 of 1,613,556 alleles (0.00043%); highest among the groups gnomAD compares: Non-Finnish European, 0.00059%; no homozygotes.

Submission:

Labcorp Genetics (formerly Invitae), Labcorp
Classification: Uncertain significance for Developmental and epileptic encephalopathy, 1; Autosomal dominant nonsyndromic hearing loss 65. Last evaluated: 2023-10-22. Review status: criteria provided, single submitter. Criteria: Invitae Variant Classification Sherloc (09022015). Collection method: clinical testing. Allele origin: germline.
Comment: This sequence change replaces isoleucine, which is neutral and non-polar, with methionine, which is neutral and non-polar, at codon 396 of the TBC1D24 protein (p.Ile396Met). This variant is present in population databases (no rsID available, gnomAD 0.002%). This variant has not been reported in the literature in individuals affected with TBC1D24-related conditions. Advanced modeling of protein sequence and biophysical properties (such as structural, functional, and spatial information, amino acid conservation, physicochemical variation, residue mobility, and thermodynamic stability) has been performed at Invitae for this missense variant, however the output from this modeling did not meet the statistical confidence thresholds required to predict the impact of this variant on TBC1D24 protein function. In summary, the available evidence is currently insufficient to determine the role of this variant in disease. Therefore, it has been classified as a Variant of Uncertain Significance.

NM_001199107.2(TBC1D24):c.1188C>G (p.Ile396Met)

Gene: TBC1D24 (TBC1 domain family member 24; plus strand). Cytogenetic location: 16p13.3.
Variant type: single nucleotide variant.
Coding change: c.1188C>G on transcript NM_001199107.2 (MANE Select); coding-DNA position 1188, C replaced by G.
Protein change: p.Ile396Met; replaces isoleucine 396 with methionine.
Molecular consequence: missense variant.
Genome position (GRCh38, 1-based): chr16:2,499,402, C>G. VCF-style: chr16-2499402-C-G. GRCh37 (hg19) VCF-style: chr16-2549403-C-G.
Other names: c.1170C>G, p.Ile390Met (NM_020705.3); short protein forms I390M, I396M.
Identifiers: ClinVar variation 2924416 (VCV002924416.3), dbSNP rs1387751971, ClinGen allele CA394380035.